The following is an entry in ClinVar:

ClinVar aggregate classification (germline): Uncertain significance. Review status: criteria provided, multiple submitters, no conflicts (2 of 4 stars). 2 submissions from 2 submitters: Uncertain significance (2). Last evaluated 2025-03-27.

Conditions:
Inborn genetic diseases. Identifiers: MedGen C0950123, MeSH D030342.
TFE3-related disorder. Also called: TFE3-related condition.

Allele frequency attached by ClinVar (database versions not stated): gnomAD exomes below 0.00001; gnomAD 0.00001; TOPMed 0.00002.

Submissions (2):

Ambry Genetics
Classification: Uncertain significance for Inborn genetic diseases. Last evaluated: 2025-03-27. Review status: criteria provided, single submitter. Criteria: Ambry Variant Classification Scheme 2023. Collection method: clinical testing. Allele origin: germline.

PreventionGenetics, part of Exact Sciences
Classification: Uncertain significance for TFE3-related condition. Last evaluated: 2023-06-08. Review status: criteria provided, single submitter. Criteria: ACMG Guidelines, 2015. Collection method: clinical testing. Allele origin: germline.
Comment: The TFE3 c.931G>A variant is predicted to result in the amino acid substitution p.Val311Met. To our knowledge, this variant has not been reported in the literature or in a large population database, indicating this variant is rare. At this time, the clinical significance of this variant is uncertain due to the absence of conclusive functional and genetic evidence.

NM_006521.6(TFE3):c.931G>A (p.Val311Met)

Gene: TFE3 (transcription factor binding to IGHM enhancer 3; minus strand). Cytogenetic location: Xp11.23.
Variant type: single nucleotide variant.
Coding change: c.931G>A on transcript NM_006521.6 (MANE Select); coding-DNA position 931, G replaced by A.
Protein change: p.Val311Met; replaces valine 311 with methionine.
Molecular consequence: missense variant.
Genome position (GRCh38, 1-based): chrX:49,034,206, C>T on the plus strand (G>A on the coding strand, the complement: TFE3 is on the minus strand). VCF-style: chrX-49034206-C-T. GRCh37 (hg19) VCF-style: chrX-48891721-C-T.
Other names: c.616G>A, p.Val206Met (NM_001282142.2); c.931G>A (NM_006521.4); short protein forms V206M, V311M.
Identifiers: ClinVar variation 2636144 (VCV002636144.2), dbSNP rs1047731769, ClinGen allele CA412905591.
Genomic context (GRCh38, chrX:49,034,206, plus strand): 5'-GTTTGATGTTGGGCAGCTCAGCTGGGCAGGAGTTGCTGACAGTGATGGCTGGTGTGGCCA[C>T]GCCTTGACTACTGTACACATCAAGCAGATTCCCTGACACAGGCAGCTGGGGGCAGAGAGG-3'
Protein context (NP_006512.2, residues 301-321): NLLDVYSSQG[Val311Met]ATPAITVSNS